The following is an entry in ClinVar:

NM_004304.5(ALK):c.1682G>A (p.Arg561Lys)

Gene: ALK (ALK receptor tyrosine kinase; minus strand). Cytogenetic location: 2p23.2.
Variant type: single nucleotide variant.
Coding change: c.1682G>A on transcript NM_004304.5 (MANE Select); coding-DNA position 1682, G replaced by A.
Protein change: p.Arg561Lys; replaces arginine 561 with lysine.
Molecular consequence: missense variant.
Genome position (GRCh38, 1-based): chr2:29,297,023, C>T on the plus strand (G>A on the coding strand, the complement: ALK is on the minus strand). VCF-style: chr2-29297023-C-T. GRCh37 (hg19) VCF-style: chr2-29519889-C-T.
Other names: short protein forms R561K.
Identifiers: ClinVar variation 951251 (VCV000951251.9), dbSNP rs1666207256, ClinGen allele CA346466572.
Genomic context (GRCh38, chr2:29,297,023, plus strand): 5'-ACCATCCTGCCTTGCTCCTTCCCGGTTTTGTTCTCCACTAGCACCAAGGACACGTTTCCC[C>T]TCAAGACTCCACGAATGAGCCAGGACATTCGGAGCTGTGAGGGCGAGAAGAGTCAGAGGA-3'
Protein context (NP_004295.2, residues 551-571): RMSWLIRGVL[Arg561Lys]GNVSLVLVEN

ClinVar aggregate classification (germline): Uncertain significance (1 of 4 stars; one submission).

Conditions:
Neuroblastoma, susceptibility to, 3. Also called: ALK-Related Neuroblastic Tumor Susceptibility. Identifiers: Orphanet 635, MedGen C2751681, MONDO:0013083, OMIM 613014.

gnomAD v4.1: 2 of 1,614,214 alleles (0.00012%); highest among the groups gnomAD compares: Non-Finnish European, 0.00017%; no homozygotes.

Submission:

Labcorp Genetics (formerly Invitae), Labcorp
Classification: Uncertain significance for Neuroblastoma, susceptibility to, 3. Last evaluated: 2020-02-27. Review status: criteria provided, single submitter. Criteria: Invitae Variant Classification Sherloc (09022015). Collection method: clinical testing. Allele origin: germline.
Comment: In summary, the available evidence is currently insufficient to determine the role of this variant in disease. Therefore, it has been classified as a Variant of Uncertain Significance. Algorithms developed to predict the effect of missense changes on protein structure and function output the following: SIFT: "Tolerated"; PolyPhen-2: "Benign"; Align-GVGD: "Class C0". The lysine amino acid residue is found in multiple mammalian species, suggesting that this missense change does not adversely affect protein function. These predictions have not been confirmed by published functional studies and their clinical significance is uncertain. This variant has not been reported in the literature in individuals with ALK-related conditions. This variant is not present in population databases (ExAC no frequency). This sequence change replaces arginine with lysine at codon 561 of the ALK protein (p.Arg561Lys). The arginine residue is weakly conserved and there is a small physicochemical difference between arginine and lysine.